The following is an entry in ClinVar:

NM_000059.4(BRCA2):c.3645dup (p.Phe1216fs)

Gene: BRCA2 (BRCA2 DNA repair associated; plus strand). Cytogenetic location: 13q13.1.
Variant type: Duplication.
Coding change: c.3645dup on transcript NM_000059.4 (MANE Select); coding-DNA position 3645, one base duplicated (G; older notation c.3645dupG).
Protein change: p.Phe1216fs; shifts the reading frame from phenylalanine 1216.
Molecular consequence: frameshift variant.
Genome position (GRCh38, 1-based): chr13:32,338,000, G duplicated; the last of 4 consecutive G bases (chr13:32,337,997-32,338,000); duplicating any one gives the same sequence. VCF-style (leftmost placement, unchanged base first): chr13-32337996-T-TG. GRCh37 (hg19) VCF-style: chr13-32912133-T-TG.
Other names: short protein forms F1216fs.
Identifiers: ClinVar variation 1072625 (VCV001072625.7), dbSNP rs2137498592, ClinGen allele CA2499222141.

ClinVar aggregate classification (germline): Pathogenic (1 of 4 stars; one submission).

Conditions:
Hereditary breast ovarian cancer syndrome. Also called: Hereditary breast and ovarian cancer syndrome (HBOC); Hereditary breast and/or ovarian cancer syndrome; Hereditary breast and ovarian cancer; BRCA1- and BRCA2-Associated Hereditary Breast and Ovarian Cancer; Hereditary breast and ovarian cancer syndrome; Breast and ovarian cancer. Identifiers: Orphanet 145, MedGen C0677776, MeSH D061325, MONDO:0003582. Disease mechanism: loss of function.

Submission:

Labcorp Genetics (formerly Invitae), Labcorp
Classification: Pathogenic for Hereditary breast ovarian cancer syndrome. Last evaluated: 2020-03-09. Review status: criteria provided, single submitter. Criteria: Invitae Variant Classification Sherloc (09022015). Collection method: clinical testing. Allele origin: germline.
Comment: This variant is not present in population databases (ExAC no frequency). This sequence change creates a premature translational stop signal (p.Phe1216Valfs*2) in the BRCA2 gene. It is expected to result in an absent or disrupted protein product. This variant has not been reported in the literature in individuals with BRCA2-related conditions. For these reasons, this variant has been classified as Pathogenic. Loss-of-function variants in BRCA2 are known to be pathogenic (PMID: 20104584).

Literature cited by the submitters: PubMed 20104584.